The following is an entry in ClinVar:

NM_138691.3(TMC1):c.405G>T (p.Gly135=)

Gene: TMC1 (transmembrane channel like 1; plus strand). Cytogenetic location: 9q21.13.
Variant type: single nucleotide variant.
Coding change: c.405G>T on transcript NM_138691.3 (MANE Select); coding-DNA position 405, G replaced by T.
Protein change: p.Gly135=; no amino-acid change (glycine 135 retained).
Molecular consequence: synonymous variant.
Genome position (GRCh38, 1-based): chr9:72,740,161, G>T. VCF-style: chr9-72740161-G-T. GRCh37 (hg19) VCF-style: chr9-75355077-G-T.
Other names: c.405G>T (NM_138691.2).
Identifiers: ClinVar variation 1448660 (VCV001448660.7), dbSNP rs1391895910, ClinGen allele CA465183887.

ClinVar aggregate classification (germline): Conflicting classifications of pathogenicity. Review status: criteria provided, conflicting classifications (1 of 4 stars). 2 submissions from 2 submitters: Uncertain significance (1); Likely benign (1). Last evaluated 2024-09-05.

Allele frequency attached by ClinVar (database versions not stated): gnomAD exomes below 0.00001; gnomAD 0.00001; TOPMed 0.00002.
gnomAD v4.1: 4 of 1,613,618 alleles (0.00025%); highest among the groups gnomAD compares: Admixed American, 0.0067%; no homozygotes.

Submissions (2):

GeneDx
Classification: Uncertain significance. Last evaluated: 2024-09-05. Review status: criteria provided, single submitter. Criteria: GeneDx Variant Classification Process June 2021. Collection method: clinical testing. Allele origin: germline. Affected: yes.
Comment: Not observed at significant frequency in large population cohorts (gnomAD); In silico analysis indicates that this variant does not alter splicing; Has not been previously published as pathogenic or benign to our knowledge

Labcorp Genetics (formerly Invitae), Labcorp
Classification: Likely benign. Last evaluated: 2023-11-28. Review status: criteria provided, single submitter. Criteria: Invitae Variant Classification Sherloc (09022015). Collection method: clinical testing. Allele origin: germline.